The following is an entry in ClinVar:

NM_015512.5(DNAH1):c.8392C>T (p.Arg2798Cys)

Gene: DNAH1 (dynein axonemal heavy chain 1; plus strand). Cytogenetic location: 3p21.1.
Variant type: single nucleotide variant.
Coding change: c.8392C>T on transcript NM_015512.5 (MANE Select); coding-DNA position 8392, C replaced by T.
Protein change: p.Arg2798Cys; replaces arginine 2798 with cysteine.
Molecular consequence: missense variant.
Genome position (GRCh38, 1-based): chr3:52,384,855, C>T. VCF-style: chr3-52384855-C-T. GRCh37 (hg19) VCF-style: chr3-52418871-C-T.
Other names: short protein forms R2798C.
Identifiers: ClinVar variation 4784010 (VCV004784010.1).

ClinVar aggregate classification (germline): Uncertain significance (1 of 4 stars; one submission).

Conditions:
Spermatogenic failure 18. Identifiers: MedGen C4539783, MONDO:0054615, OMIM 617576.
Ciliary dyskinesia, primary, 37 (CILD37). Also called: CILIARY DYSKINESIA, PRIMARY, 37, WITH OR WITHOUT SITUS INVERSUS. Identifiers: MedGen C4539798, MONDO:0033204, OMIM 617577.

gnomAD v4.1: 39 of 1,611,984 alleles (0.0024%); highest among the groups gnomAD compares: African/African-American, 0.0053%; no homozygotes.

Submission:

Labcorp Genetics (formerly Invitae), Labcorp
Classification: Uncertain significance for Ciliary dyskinesia, primary, 37; Spermatogenic failure 18. Last evaluated: 2025-12-22. Review status: criteria provided, single submitter. Criteria: Invitae Variant Classification Sherloc (09022015). Collection method: clinical testing. Allele origin: germline.
Comment: This sequence change replaces arginine, which is basic and polar, with cysteine, which is neutral and slightly polar, at codon 2798 of the DNAH1 protein (p.Arg2798Cys). This variant is present in population databases (rs373852790, gnomAD 0.01%). This variant has not been reported in the literature in individuals affected with DNAH1-related conditions. Invitae Evidence Modeling of protein sequence and biophysical properties (such as structural, functional, and spatial information, amino acid conservation, physicochemical variation, residue mobility, and thermodynamic stability) indicates that this missense variant is expected to disrupt DNAH1 protein function with a positive predictive value of 80%. In summary, the available evidence is currently insufficient to determine the role of this variant in disease. Therefore, it has been classified as a Variant of Uncertain Significance.